The following is an entry in ClinVar:

ClinVar aggregate classification (germline): Uncertain significance (1 of 4 stars; one submission).

Conditions:
Chédiak-Higashi syndrome (CHS). Also called: Chediak-Higashi Syndrome. Identifiers: Orphanet 167, MedGen C0007965, MONDO:0008963, OMIM 214500.

Allele frequency attached by ClinVar (database versions not stated): gnomAD exomes 0.00002; ExAC 0.00004.
gnomAD v4.1: 10 of 1,611,890 alleles (0.00062%); highest among the groups gnomAD compares: Non-Finnish European, 0.00085%; no homozygotes.

Submission:

Labcorp Genetics (formerly Invitae), Labcorp
Classification: Uncertain significance for Chédiak-Higashi syndrome. Last evaluated: 2020-10-05. Review status: criteria provided, single submitter. Criteria: Invitae Variant Classification Sherloc (09022015). Collection method: clinical testing. Allele origin: germline.
Comment: This sequence change falls in intron 14 of the LYST gene. It does not directly change the encoded amino acid sequence of the LYST protein, but it affects a nucleotide within the consensus splice site of the intron. This variant is present in population databases (rs553383687, ExAC 0.007%). This variant has not been reported in the literature in individuals with LYST-related conditions. Nucleotide substitutions within the consensus splice site are a relatively common cause of aberrant splicing (PMID: 17576681, 9536098). Algorithms developed to predict the effect of sequence changes on RNA splicing suggest that this variant may disrupt the consensus splice site, but this prediction has not been confirmed by published transcriptional studies. In summary, the available evidence is currently insufficient to determine the role of this variant in disease. Therefore, it has been classified as a Variant of Uncertain Significance.

Literature cited by the submitters: PubMed 17576681; PubMed 9536098.

NM_000081.4(LYST):c.4862+3A>G

Gene: LYST (lysosomal trafficking regulator; minus strand). Cytogenetic location: 1q42.3.
Variant type: single nucleotide variant.
Coding change: c.4862+3A>G on transcript NM_000081.4 (MANE Select); 3 bases into the intron after coding-DNA position 4862, A replaced by G.
Molecular consequence: intron variant.
Genome position (GRCh38, 1-based): chr1:235,787,197, T>C on the plus strand (A>G on the coding strand, the complement: LYST is on the minus strand). VCF-style: chr1-235787197-T-C. GRCh37 (hg19) VCF-style: chr1-235950497-T-C.
Other names: c.4862+3A>G (NM_001301365.1).
Identifiers: ClinVar variation 1009553 (VCV001009553.4), dbSNP rs553383687, ClinGen allele CA1466748.
Genomic context (GRCh38, chr1:235,787,197, plus strand): 5'-TTGACTAATGAAACATAACATTGTAACTGAGATTGAGATGCATTTTCTCAAAATGCTTCC[T>C]ACCTCTGTCCAGAGACCCATATGGAGATTTTCCCATGAATCCTCCTTTTCCCTTGGGGCT-3'